The following is an entry in ClinVar:

ClinVar aggregate classification (germline): Pathogenic (1 of 4 stars; one submission).

Conditions:
Osteogenesis imperfecta type I (OI1). Also called: OI, TYPE I; OSTEOGENESIS IMPERFECTA TARDA; OSTEOGENESIS IMPERFECTA WITH BLUE SCLERAE; Osteogenesis imperfecta type 1; Lobstein disease; Lobstein's Disease. Identifiers: Orphanet 216796, Orphanet 666, MedGen C0023931, MONDO:0008146, OMIM 166200. Disease mechanism: loss of function.

Submission:

Labcorp Genetics (formerly Invitae), Labcorp
Classification: Pathogenic for Osteogenesis imperfecta type I. Last evaluated: 2019-01-17. Review status: criteria provided, single submitter. Criteria: Invitae Variant Classification Sherloc (09022015). Collection method: clinical testing. Allele origin: germline.
Comment: For these reasons, this variant has been classified as Pathogenic. This sequence change creates a premature translational stop signal (p.Glu24Glyfs*50) in the COL1A1 gene. It is expected to result in an absent or disrupted protein product. This variant is not present in population databases (ExAC no frequency). This variant has not been reported in the literature in individuals with COL1A1-related conditions. Loss-of-function variants in COL1A1 are known to be pathogenic (PMID: 7942841, 9295084, 9443882).

Literature cited by the submitters: PubMed 7942841; PubMed 9295084; PubMed 9443882.

NM_000088.4(COL1A1):c.71del (p.Glu24fs)

Gene: COL1A1 (collagen type I alpha 1 chain; minus strand). Cytogenetic location: 17q21.33.
Variant type: Deletion.
Coding change: c.71del on transcript NM_000088.4 (MANE Select); coding-DNA position 71, one base deleted (A; older notation c.71delA).
Protein change: p.Glu24fs; shifts the reading frame from glutamic acid 24.
Molecular consequence: frameshift variant.
Genome position (GRCh38, 1-based): chr17:50,201,443, T deleted on the plus strand (A on the coding strand, the reverse complement: COL1A1 is on the minus strand). VCF-style (leftmost placement, unchanged base first): chr17-50201442-CT-C. GRCh37 (hg19) VCF-style: chr17-48278803-CT-C.
Other names: short protein forms E24fs.
Identifiers: ClinVar variation 859006 (VCV000859006.8), dbSNP rs1908087291, ClinGen allele CA916081215.